The following is an entry in ClinVar:

NM_000136.3(FANCC):c.1330G>A (p.Val444Ile)

Genes: AOPEP (aminopeptidase O (putative); plus strand), FANCC (FA complementation group C; minus strand). Cytogenetic location: 9q22.32.
Variant type: single nucleotide variant.
Coding change: c.1330G>A on transcript NM_000136.3 (MANE Select); coding-DNA position 1330, G replaced by A.
Protein change: p.Val444Ile; replaces valine 444 with isoleucine.
Molecular consequence: missense variant.
Genome position (GRCh38, 1-based): chr9:95,107,269, C>T on the plus strand (G>A on the coding strand, the complement: FANCC is on the minus strand). VCF-style: chr9-95107269-C-T. GRCh37 (hg19) VCF-style: chr9-97869551-C-T.
Other names: c.1330G>A, p.Val444Ile (NM_001243743.2); short protein forms V444I.
Identifiers: ClinVar variation 456156 (VCV000456156.14), dbSNP rs1554828492, ClinGen allele CA374106297.
Genomic context (GRCh38, chr9:95,107,269, plus strand): 5'-CTGAGAGGCTGCTGCTTCTGGACATTGCCAGGAGGTGGCCCAGCACGGCCTTCACCTGGA[C>T]CTGGGCAATAGTATTTCACAGGGGAGAGGTTAGGAAGAGGCAGGACAGACATACTTCTAG-3'
Protein context (NP_000127.2, residues 434-454): DGRQQRAQTM[Val444Ile]QVKAVLGHLL

ClinVar aggregate classification (germline): Uncertain significance. Review status: criteria provided, multiple submitters, no conflicts (2 of 4 stars). 3 submissions from 3 submitters: Uncertain significance (2). 1 of the submissions does not count toward it. Last evaluated 2023-05-31.

Conditions:
Hereditary cancer-predisposing syndrome. Also called: Neoplastic Syndromes, Hereditary; Tumor predisposition; Hereditary Cancer Syndrome; Hereditary neoplastic syndrome. Identifiers: Orphanet 140162, MedGen C0027672, MeSH D009386, MONDO:0015356.
Fanconi anemia (FA). Also called: Fanconi's anemia. Identifiers: Orphanet 84, MedGen C0015625, MeSH D005199, MONDO:0019391.

Submissions (3):

Ambry Genetics
Classification: Uncertain significance for Hereditary cancer-predisposing syndrome. Last evaluated: 2023-05-31. Review status: criteria provided, single submitter. Criteria: Ambry Variant Classification Scheme 2023. Collection method: clinical testing. Allele origin: germline.

Labcorp Genetics (formerly Invitae), Labcorp
Classification: Uncertain significance for Fanconi anemia. Last evaluated: 2017-01-16. Review status: criteria provided, single submitter. Criteria: Invitae Variant Classification Sherloc (09022015). Collection method: clinical testing. Allele origin: germline.
Comment: In summary, this variant is a novel missense change with uncertain impact on protein function. It has been classified as a Variant of Uncertain Significance. Algorithms developed to predict the effect of sequence changes on RNA splicing suggest that this variant may alter RNA splicing, but this prediction has not been confirmed by published transcriptional studies. Algorithms developed to predict the effect of missense changes on protein structure and function do not agree on the potential impact of this missense change (SIFT: "Tolerated"; PolyPhen-2: "Possibly Damaging"; Align-GVGD: "Class C0"). This variant is not present in population databases (ExAC no frequency) and has not been reported in the literature in individuals with a FANCC-related disease. This sequence change replaces valine with isoleucine at codon 444 of the FANCC protein (p.Val444Ile). The valine residue is highly conserved and there is a small physicochemical difference between valine and isoleucine. It also falls at the first nucleotide of exon 14 of the FANCC coding sequence.

Natera, Inc.
Classification: Uncertain significance for Fanconi anemia. Last evaluated: 2021-01-11. Review status: no assertion criteria provided. Collection method: clinical testing. Allele origin: germline. Not counted in ClinVar's aggregate classification.